The following is an entry in ClinVar:

ClinVar aggregate classification (germline): Uncertain significance (1 of 4 stars; one submission).

Submission:

Labcorp Genetics (formerly Invitae), Labcorp
Classification: Uncertain significance. Last evaluated: 2026-01-11. Review status: criteria provided, single submitter. Criteria: Invitae Variant Classification Sherloc (09022015). Collection method: clinical testing. Allele origin: germline.
Comment: This sequence change replaces alanine, which is neutral and non-polar, with glycine, which is neutral and non-polar, at codon 444 of the DCHS1 protein (p.Ala444Gly). This variant is present in population databases (rs779718947, gnomAD 0.004%). This variant has not been reported in the literature in individuals affected with DCHS1-related conditions. An algorithm developed to predict the effect of missense changes on protein structure and function (PolyPhen-2) suggests that this variant is likely to be disruptive. In summary, the available evidence is currently insufficient to determine the role of this variant in disease. Therefore, it has been classified as a Variant of Uncertain Significance.

NM_003737.4(DCHS1):c.1331C>G (p.Ala444Gly)

Gene: DCHS1 (dachsous cadherin-related 1; minus strand). Cytogenetic location: 11p15.4.
Variant type: single nucleotide variant.
Coding change: c.1331C>G on transcript NM_003737.4 (MANE Select); coding-DNA position 1331, C replaced by G.
Protein change: p.Ala444Gly; replaces alanine 444 with glycine.
Molecular consequence: missense variant.
Genome position (GRCh38, 1-based): chr11:6,640,283, G>C on the plus strand (C>G on the coding strand, the complement: DCHS1 is on the minus strand). VCF-style: chr11-6640283-G-C. GRCh37 (hg19) VCF-style: chr11-6661514-G-C.
Other names: short protein forms A444G.
Identifiers: ClinVar variation 4808583 (VCV004808583.1).